The following is an entry in ClinVar:

NM_000540.3(RYR1):c.3727C>A (p.Gln1243Lys)

Gene: RYR1 (ryanodine receptor 1; plus strand). Cytogenetic location: 19q13.2.
Variant type: single nucleotide variant.
Coding change: c.3727C>A on transcript NM_000540.3 (MANE Select); coding-DNA position 3727, C replaced by A.
Protein change: p.Gln1243Lys; replaces glutamine 1243 with lysine.
Molecular consequence: missense variant.
Genome position (GRCh38, 1-based): chr19:38,469,475, C>A. VCF-style: chr19-38469475-C-A. GRCh37 (hg19) VCF-style: chr19-38960115-C-A.
Other names: c.3727C>A, p.Gln1243Lys (NM_001042723.2); short protein forms Q1243K.
Identifiers: ClinVar variation 3074447 (VCV003074447.1), dbSNP rs2514117953, ClinGen allele CA405639787.
Genomic context (GRCh38, chr19:38,469,475, plus strand): 5'-GAGCCATTTGCCATCAACATGCAGCGCCCAGTCACCACCTGGTTCAGCAAAGGCCTGCCC[C>A]AGTTTGAGCCAGTGCCCCTTGAACACCCTCACTATGAGGTAAGGACTGAGCCCCTCAATG-3'
Protein context (NP_000531.2, residues 1233-1253): VTTWFSKGLP[Gln1243Lys]FEPVPLEHPH

ClinVar aggregate classification (germline): Uncertain significance (1 of 4 stars; one submission).

Conditions:
Malignant hyperthermia, susceptibility to, 1 (MHS1). Also called: Anesthesia related hyperthermia; Malignant hyperpyrexia; Fulminating hyperpyrexia; Pharmacogenic myopathy; RYR1-Related Malignant Hyperthermia Susceptibility; Malignant hyperthermia suceptibility 1. Identifiers: Orphanet 423, MedGen C2930980, MONDO:0007783, OMIM 145600.

Submission:

All of Us Research Program, National Institutes of Health
Classification: Uncertain significance for Malignant hyperthermia, susceptibility to, 1. Last evaluated: 2023-11-20. Review status: criteria provided, single submitter. Criteria: ACMG Guidelines, 2015. Collection method: clinical testing. Allele origin: germline. Inheritance: Autosomal dominant inheritance. Observed: 1 variant allele, 1 heterozygote.
Comment: This missense variant replaces glutamine with lysine at codon 1243 of the RYR1 protein. Computational prediction suggests that this variant may not impact protein structure and function (internally defined REVEL score threshold <= 0.6). To our knowledge, functional studies have not been reported for this variant. This variant has not been reported in individuals affected with RYR1-related disorders in the literature. This variant has not been identified in the general population by the Genome Aggregation Database (gnomAD). The available evidence is insufficient to determine the role of this variant in disease conclusively. Therefore, this variant is classified as a Variant of Uncertain Significance.

This study involves interpretation of variants in research participants for the purpose of population health screening. Participant phenotype was not available at the time of variant classification. Additional details can be found in publication PMID: 35346344, PMCID: PMC8962531